The following is an entry in ClinVar:

ClinVar aggregate classification (germline): Likely pathogenic (1 of 4 stars; one submission).

Conditions:
Leber hereditary optic neuropathy, autosomal recessive (LHONAR). Identifiers: MedGen C5543589, MONDO:0030309.

Allele frequency attached by ClinVar (database versions not stated): gnomAD 0.00001.

Submission:

Laboratory of Medical Genetics, National & Kapodistrian University of Athens
Classification: Likely pathogenic for Leber-like hereditary optic neuropathy, autosomal recessive 1. Last evaluated: 2021-10-05. Review status: criteria provided, single submitter. Criteria: ACMG Guidelines, 2015. Collection method: clinical testing. Allele origin: unknown. Affected: yes.
Comment: PM1, PM2, PP3, PP4

NM_032317.3(DNAJC30):c.293A>C (p.Tyr98Ser)

Gene: DNAJC30 (DnaJ heat shock protein family (Hsp40) member C30; minus strand). Cytogenetic location: 7q11.23.
Variant type: single nucleotide variant.
Coding change: c.293A>C on transcript NM_032317.3 (MANE Select); coding-DNA position 293, A replaced by C.
Protein change: p.Tyr98Ser; replaces tyrosine 98 with serine.
Molecular consequence: missense variant.
Genome position (GRCh38, 1-based): chr7:73,683,131, T>G on the plus strand (A>C on the coding strand, the complement: DNAJC30 is on the minus strand). VCF-style: chr7-73683131-T-G. GRCh37 (hg19) VCF-style: chr7-73097461-T-G.
Other names: short protein forms Y98S.
Identifiers: ClinVar variation 1299584 (VCV001299584.1), dbSNP rs965912564, ClinGen allele CA160072572.
Genomic context (GRCh38, chr7:73,683,131, plus strand): 5'-TCGTCGCTGAGTAGGCCGCGATCATACTTGCGACGGAGGGTGGCACTGCCCAGCACCACG[T>G]AGGCCTGGGAGATGCGCGTGAAGCGCTCGGCGGCCTCCGCGCTCCCGGAGTTGCGGTCCG-3'
Protein context (NP_115693.2, residues 88-108): AERFTRISQA[Tyr98Ser]VVLGSATLRR